The following is an entry in ClinVar:

ClinVar aggregate classification (germline): Likely benign (1 of 4 stars; one submission).

Conditions:
Chondrodysplasia with joint dislocations, gPAPP type. Also called: GPAPP DEFICIENCY. Identifiers: Orphanet 280586, MedGen C3279757, MONDO:0013561, OMIM 614078.

Allele frequency attached by ClinVar (database versions not stated): 1000 Genomes Project 0.00060; TOPMed 0.00115; gnomAD 0.00119 and 0.00129.

Submission:

Illumina Laboratory Services, Illumina
Classification: Likely benign for Chondrodysplasia with joint dislocations, gPAPP type. Last evaluated: 2018-01-13. Review status: criteria provided, single submitter. Criteria: ICSL Variant Classification Criteria 13 December 2019. Collection method: clinical testing. Allele origin: germline.
Comment: This variant was observed in the ICSL laboratory as part of a predisposition screen in an ostensibly healthy population. It had not been previously curated by ICSL or reported in the Human Gene Mutation Database (HGMD: prior to June 1st, 2018), and was therefore a candidate for classification through an automated scoring system. Utilizing variant allele frequency, disease prevalence and penetrance estimates, and inheritance mode, an automated score was calculated to assess if this variant is too frequent to cause the disease. Based on the score and internal cut-off values, a variant classified as likely benign is not then subjected to further curation. The score for this variant resulted in a classification of likely benign for this disease.

NM_017813.5(BPNT2):c.*4501T>G

Gene: BPNT2 (3'(2'), 5'-bisphosphate nucleotidase 2; minus strand). Cytogenetic location: 8q12.1.
Variant type: single nucleotide variant.
Coding change: c.*4501T>G on transcript NM_017813.5 (MANE Select); 4501 bases downstream of the stop codon, T replaced by G.
Molecular consequence: 3 prime UTR variant.
Genome position (GRCh38, 1-based): chr8:56,959,292, A>C on the plus strand (T>G on the coding strand, the complement: BPNT2 is on the minus strand). VCF-style: chr8-56959292-A-C. GRCh37 (hg19) VCF-style: chr8-57871851-A-C.
Identifiers: ClinVar variation 909214 (VCV000909214.4), dbSNP rs549676621, ClinGen allele CA177764399.
Genomic context (GRCh38, chr8:56,959,292, plus strand): 5'-AAACTACTTACAAATCTCATTTTCCCACAAAATTAATTCAACATCCAACCTTAAAAATAA[A>C]TAAAGCTTTGCCAATGGTAAATTGGAATGCATATACTTGCCAGGCTTTGATGAAATAAAA-3'